The following is an entry in ClinVar:

ClinVar aggregate classification (germline): Benign/Likely benign. Review status: criteria provided, multiple submitters, no conflicts (2 of 4 stars). 5 submissions from 5 submitters: Benign (1); Likely benign (4). Last evaluated 2026-02-01.

Conditions:
Primary ciliary dyskinesia. Also called: Ciliary dyskinesia. Identifiers: Orphanet 244, MedGen C0008780, MONDO:0016575, HP:0012265.
Primary ciliary dyskinesia 24 (CILD24). Also called: CILIARY DYSKINESIA, PRIMARY, 24, WITHOUT SITUS INVERSUS. Identifiers: Orphanet 244, MedGen C3809634, MONDO:0014202, OMIM 615481.

Allele frequency attached by ClinVar (database versions not stated): TOPMed 0.00161; gnomAD 0.00176 and 0.00184; gnomAD exomes 0.00200 and 0.00296; ESP Exome Variant Server 0.00238; ExAC 0.00242.
gnomAD v4.1: 4,534 of 1,613,966 alleles (0.28%); highest among the groups gnomAD compares: Non-Finnish European, 0.36%; 13 homozygotes.

Submissions (5):

Labcorp Genetics (formerly Invitae), Labcorp
Classification: Benign for Primary ciliary dyskinesia. Last evaluated: 2026-02-01. Review status: criteria provided, single submitter. Criteria: Invitae Variant Classification Sherloc (09022015). Collection method: clinical testing. Allele origin: germline.

Mayo Clinic Laboratories, Mayo Clinic
Classification: Likely benign. Last evaluated: 2025-08-20. Review status: criteria provided, single submitter. Criteria: ACMG Guidelines, 2015. Collection method: clinical testing. Allele origin: germline. Observed: 1 variant allele.
Comment: BS1, BP4, BP7

ARUP Laboratories, Molecular Genetics and Genomics, ARUP Laboratories
Classification: Likely benign for Primary ciliary dyskinesia 24. Last evaluated: 2025-06-12. Review status: criteria provided, single submitter. Criteria: ARUP Molecular Germline Variant Investigation Process 2024. Collection method: clinical testing. Allele origin: germline.

Blueprint Genetics
Classification: Likely benign. Last evaluated: 2024-11-27. Review status: criteria provided, single submitter. Criteria: ACMG Guidelines, 2015. Collection method: clinical testing. Allele origin: germline.

CeGaT Center for Human Genetics Tuebingen
Classification: Likely benign. Last evaluated: 2022-12-01. Review status: criteria provided, single submitter. Criteria: CeGaT Center For Human Genetics Tuebingen Variant Classification Criteria Version 2. Collection method: clinical testing. Allele origin: germline. Affected: yes. Observed: 2 variant alleles.
Comment: RSPH1: BP4, BS2

NM_080860.4(RSPH1):c.501+7C>T

Gene: RSPH1 (radial spoke head component 1; minus strand). Cytogenetic location: 21q22.3.
Variant type: single nucleotide variant.
Coding change: c.501+7C>T on transcript NM_080860.4 (MANE Select); 7 bases into the intron after coding-DNA position 501, C replaced by T.
Molecular consequence: intron variant.
Genome position (GRCh38, 1-based): chr21:42,485,662, G>A on the plus strand (C>T on the coding strand, the complement: RSPH1 is on the minus strand). VCF-style: chr21-42485662-G-A. GRCh37 (hg19) VCF-style: chr21-43905772-G-A.
Other names: p.?; c.387+7C>T (NM_001286506.2).
Identifiers: ClinVar variation 241785 (VCV000241785.38), dbSNP rs201034280, ClinGen allele CA10043920.